The following is an entry in ClinVar:

ClinVar aggregate classification (germline): Uncertain significance (1 of 4 stars; one submission).

Allele frequency attached by ClinVar (database versions not stated): TOPMed below 0.00001; gnomAD exomes 0.00001.
gnomAD v4.1: 3 of 1,600,748 alleles (0.00019%); highest among the groups gnomAD compares: Admixed American, 0.005%; no homozygotes.

Submission:

Labcorp Genetics (formerly Invitae), Labcorp
Classification: Uncertain significance. Last evaluated: 2022-02-03. Review status: criteria provided, single submitter. Criteria: Invitae Variant Classification Sherloc (09022015). Collection method: clinical testing. Allele origin: germline.
Comment: In summary, the available evidence is currently insufficient to determine the role of this variant in disease. Therefore, it has been classified as a Variant of Uncertain Significance. Algorithms developed to predict the effect of missense changes on protein structure and function are either unavailable or do not agree on the potential impact of this missense change (SIFT: "Not Available"; PolyPhen-2: "Probably Damaging"; Align-GVGD: "Not Available"). This variant has not been reported in the literature in individuals affected with CHUK-related conditions. This variant is present in population databases (no rsID available, gnomAD 0.006%). This sequence change replaces cysteine, which is neutral and slightly polar, with glycine, which is neutral and non-polar, at codon 113 of the CHUK protein (p.Cys113Gly).

NM_001278.5(CHUK):c.337T>G (p.Cys113Gly)

Gene: CHUK (component of inhibitor of nuclear factor kappa B kinase complex; minus strand). Cytogenetic location: 10q24.31.
Variant type: single nucleotide variant.
Coding change: c.337T>G on transcript NM_001278.5 (MANE Select); coding-DNA position 337, T replaced by G.
Protein change: p.Cys113Gly; replaces cysteine 113 with glycine.
Molecular consequence: missense variant.
Genome position (GRCh38, 1-based): chr10:100,222,160, A>C on the plus strand (T>G on the coding strand, the complement: CHUK is on the minus strand). VCF-style: chr10-100222160-A-C. GRCh37 (hg19) VCF-style: chr10-101981917-A-C.
Other names: c.337T>G, p.Cys113Gly (NM_001320928.2); short protein forms C113G.
Identifiers: ClinVar variation 1957109 (VCV001957109.5), dbSNP rs1247885867, ClinGen allele CA378155984.
Genomic context (GRCh38, chr10:100,222,160, plus strand): 5'-ACTGATACGTACCTATATCACTTAGTAAAGAAAGTATCTGGCTTTCTTTAAGTCCACAAC[A>C]ATTTTCTGGTTTGTTGAGCAGCTAAAAAAAGAAAGAAATCTAAAAATCTGTTCTGCAAAT-3'
Protein context (NP_001269.3, residues 103-123): LRKLLNKPEN[Cys113Gly]CGLKESQILS